The following is an entry in ClinVar:

NM_000264.5(PTCH1):c.3083T>A (p.Leu1028Gln)

Gene: PTCH1 (patched 1; minus strand). Cytogenetic location: 9q22.32.
Variant type: single nucleotide variant.
Coding change: c.3083T>A on transcript NM_000264.5 (MANE Select); coding-DNA position 3083, T replaced by A.
Protein change: p.Leu1028Gln; replaces leucine 1028 with glutamine.
Molecular consequence: missense variant. On other transcripts: non-coding transcript variant (1).
Genome position (GRCh38, 1-based): chr9:95,458,098, A>T on the plus strand (T>A on the coding strand, the complement: PTCH1 is on the minus strand). VCF-style: chr9-95458098-A-T. GRCh37 (hg19) VCF-style: chr9-98220380-A-T.
Other names: c.2885T>A, p.Leu962Gln (NM_001083602.3); c.3080T>A, p.Leu1027Gln (NM_001083603.3); c.2630T>A, p.Leu877Gln (NM_001083604.3, NM_001083605.3, NM_001083606.3 and 1 more transcripts); c.2927T>A, p.Leu976Gln (NM_001354918.2); short protein forms L962Q, L1028Q, L1027Q, L877Q, L976Q.
Identifiers: ClinVar variation 2449658 (VCV002449658.2), dbSNP rs2538067584, ClinGen allele CA374112425.

ClinVar aggregate classification (germline): Uncertain significance (1 of 4 stars; one submission).

Conditions:
Hereditary cancer-predisposing syndrome. Also called: Neoplastic Syndromes, Hereditary; Tumor predisposition; Hereditary neoplastic syndrome; Hereditary Cancer Syndrome. Identifiers: Orphanet 140162, MedGen C0027672, MeSH D009386, MONDO:0015356.

Submission:

Ambry Genetics
Classification: Uncertain significance for Hereditary cancer-predisposing syndrome. Last evaluated: 2022-12-29. Review status: criteria provided, single submitter. Criteria: Ambry Variant Classification Scheme 2023. Collection method: clinical testing. Allele origin: germline.
Comment: The p.L1028Q variant (also known as c.3083T>A), located in coding exon 18 of the PTCH1 gene, results from a T to A substitution at nucleotide position 3083. The leucine at codon 1028 is replaced by glutamine, an amino acid with dissimilar properties. This amino acid position is conserved. In addition, this alteration is predicted to be deleterious by in silico analysis. Since supporting evidence is limited at this time, the clinical significance of this alteration remains unclear.